The following is an entry in ClinVar:

NM_203446.3(SYNJ1):c.3601C>T (p.Arg1201Cys)

Gene: SYNJ1 (synaptojanin 1; minus strand). Cytogenetic location: 21q22.11.
Variant type: single nucleotide variant.
Coding change: c.3601C>T on transcript NM_203446.3 (MANE Select); coding-DNA position 3601, C replaced by T.
Protein change: p.Arg1201Cys; replaces arginine 1201 with cysteine.
Molecular consequence: missense variant.
Genome position (GRCh38, 1-based): chr21:32,639,767, G>A on the plus strand (C>T on the coding strand, the complement: SYNJ1 is on the minus strand). VCF-style: chr21-32639767-G-A. GRCh37 (hg19) VCF-style: chr21-34012077-G-A.
Other names: c.3553C>T, p.Arg1185Cys (NM_001160302.2); c.3460C>T, p.Arg1154Cys (NM_001160306.2); c.3718C>T, p.Arg1240Cys (NM_003895.4); short protein forms R1240C, R1185C, R1154C, R1201C.
Identifiers: ClinVar variation 634476 (VCV000634476.14), dbSNP rs114994257, ClinGen allele CA10003311.

ClinVar aggregate classification (germline): Conflicting classifications of pathogenicity. Review status: criteria provided, conflicting classifications (1 of 4 stars). 5 submissions from 3 submitters: Uncertain significance (4); Benign (1). Last evaluated 2025-01-24.

Conditions:
Developmental and epileptic encephalopathy, 53. Also called: Epileptic encephalopathy, early infantile, 53. Identifiers: MedGen C4479313, MONDO:0033362, OMIM 617389.
Early-onset Parkinson disease 20. Also called: PARKINSON DISEASE 20, AUTOSOMAL RECESSIVE EARLY-ONSET. Identifiers: Orphanet 391411, MedGen C3809824, MONDO:0014233, OMIM 615530.
Developmental and epileptic encephalopathy, 1 (DEE1). Also called: X-linked infantile spasms; West's syndrome; Tonic spasms with clustering, arrest of psychomotor development and hypsarrhythmia on EEG; X-Linked Infantile Spasm Syndrome; OHTAHARA SYNDROME, X-LINKED; Epileptic encephalopathy, early infantile, 1. Identifiers: MedGen C3463992, MONDO:0010632, OMIM 308350. Disease mechanism: loss of function.

Allele frequency attached by ClinVar (database versions not stated): gnomAD exomes 0.00013 and 0.00005; 1000 Genomes Project 30x 0.00016; ExAC 0.00017; 1000 Genomes Project 0.00020; gnomAD 0.00001 and 0.00003; TOPMed 0.00001.
gnomAD v4.1: 78 of 1,613,740 alleles (0.0048%); highest among the groups gnomAD compares: South Asian, 0.08%; 2 homozygotes.

Submissions (5):

GeneDx
Classification: Uncertain significance. Last evaluated: 2025-01-24. Review status: criteria provided, single submitter. Criteria: GeneDx Variant Classification Process June 2021. Collection method: clinical testing. Allele origin: germline. Affected: yes.
Comment: In silico analysis supports that this missense variant has a deleterious effect on protein structure/function; This variant is associated with the following publications: (PMID: 35810474)

Labcorp Genetics (formerly Invitae), Labcorp
Classification: Benign for Developmental and epileptic encephalopathy, 53; Early-onset Parkinson disease 20. Last evaluated: 2024-12-07. Review status: criteria provided, single submitter. Criteria: Invitae Variant Classification Sherloc (09022015). Collection method: clinical testing. Allele origin: germline.

Genomic Research Center, Shahid Beheshti University of Medical Sciences
Classification: Uncertain significance for Epileptic encephalopathy, early infantile, 1. Last evaluated: 2019-01-01. Review status: criteria provided, single submitter. Criteria: ACMG Guidelines, 2015. Collection method: clinical testing. Allele origin: unknown. Affected: yes. Observed: 1 variant allele.

Genomic Research Center, Shahid Beheshti University of Medical Sciences
Classification: Uncertain significance for Parkinson disease 20, early-onset. Last evaluated: 2019-01-01. Review status: criteria provided, single submitter. Criteria: ACMG Guidelines, 2015. Collection method: clinical testing. Allele origin: unknown. Affected: yes. Observed: 1 variant allele.

Genomic Research Center, Shahid Beheshti University of Medical Sciences
Classification: Uncertain significance for Epileptic encephalopathy, early infantile, 53. Last evaluated: 2019-01-01. Review status: criteria provided, single submitter. Criteria: ACMG Guidelines, 2015. Collection method: clinical testing. Allele origin: unknown. Affected: yes. Observed: 1 variant allele.